The following is an entry in ClinVar:

ClinVar aggregate classification (germline): Uncertain significance. Review status: criteria provided, multiple submitters, no conflicts (2 of 4 stars). 2 submissions from 2 submitters: Uncertain significance (2). Last evaluated 2024-02-25.

Conditions:
Familial adenomatous polyposis 1 (FAP1). Also called: POLYPOSIS, ADENOMATOUS INTESTINAL; FAMILIAL ADENOMATOUS POLYPOSIS 1, ATTENUATED. Identifiers: MedGen C2713442, MONDO:0021056, OMIM 175100. Disease mechanism: loss of function.
Hereditary cancer-predisposing syndrome. Also called: Neoplastic Syndromes, Hereditary; Tumor predisposition; Hereditary neoplastic syndrome; Hereditary Cancer Syndrome. Identifiers: Orphanet 140162, MedGen C0027672, MeSH D009386, MONDO:0015356.

Allele frequency attached by ClinVar (database versions not stated): TOPMed below 0.00001.

Submissions (2):

Labcorp Genetics (formerly Invitae), Labcorp
Classification: Uncertain significance for Familial adenomatous polyposis 1. Last evaluated: 2024-02-25. Review status: criteria provided, single submitter. Criteria: Invitae Variant Classification Sherloc (09022015). Collection method: clinical testing. Allele origin: germline.
Comment: This sequence change replaces proline, which is neutral and non-polar, with glutamine, which is neutral and polar, at codon 2471 of the APC protein (p.Pro2471Gln). This variant is not present in population databases (gnomAD no frequency). This variant has not been reported in the literature in individuals affected with APC-related conditions. Advanced modeling of protein sequence and biophysical properties (such as structural, functional, and spatial information, amino acid conservation, physicochemical variation, residue mobility, and thermodynamic stability) performed at Invitae indicates that this missense variant is not expected to disrupt APC protein function with a negative predictive value of 95%. In summary, the available evidence is currently insufficient to determine the role of this variant in disease. Therefore, it has been classified as a Variant of Uncertain Significance.

Ambry Genetics
Classification: Uncertain significance for Hereditary cancer-predisposing syndrome. Last evaluated: 2024-01-29. Review status: criteria provided, single submitter. Criteria: Ambry Variant Classification Scheme 2023. Collection method: clinical testing. Allele origin: germline.
Comment: The p.P2471Q variant (also known as c.7412C>A), located in coding exon 15 of the APC gene, results from a C to A substitution at nucleotide position 7412. The proline at codon 2471 is replaced by glutamine, an amino acid with similar properties. This amino acid position is conserved. In addition, in silico predictors for this gene do not accurately predict pathogenicity. Based on the available evidence, the clinical significance of this alteration remains unclear.

NM_000038.6(APC):c.7412C>A (p.Pro2471Gln)

Gene: APC (APC regulator of Wnt signaling pathway; plus strand). Cytogenetic location: 5q22.2.
Variant type: single nucleotide variant.
Coding change: c.7412C>A on transcript NM_000038.6 (MANE Select); coding-DNA position 7412, C replaced by A.
Protein change: p.Pro2471Gln; replaces proline 2471 with glutamine.
Molecular consequence: missense variant. On other transcripts: non-coding transcript variant (2).
Genome position (GRCh38, 1-based): chr5:112,843,006, C>A. VCF-style: chr5-112843006-C-A. GRCh37 (hg19) VCF-style: chr5-112178703-C-A.
Other names: c.7412C>A, p.Pro2471Gln (NM_001127510.3, NM_001354895.2, NM_001407450.1); c.7358C>A, p.Pro2453Gln (NM_001127511.3); c.7466C>A, p.Pro2489Gln (NM_001354896.2, NM_001407447.1, NM_001407448.1 and 1 more transcripts); c.7442C>A, p.Pro2481Gln (NM_001354897.2); c.7337C>A, p.Pro2446Gln (NM_001354898.2); c.7328C>A, p.Pro2443Gln (NM_001354899.2); c.7289C>A, p.Pro2430Gln (NM_001354900.2); c.7235C>A, p.Pro2412Gln (NM_001354901.2, NM_001407453.1); and 11 more; short protein forms P2087Q, P2188Q, P2311Q, P2342Q, P2345Q, P2370Q, P2380Q, P2388Q.
Identifiers: ClinVar variation 3231276 (VCV003231276.3), dbSNP rs876658181, ClinGen allele CA16037465.